The following is an entry in ClinVar:

ClinVar aggregate classification (germline): Likely benign (1 of 4 stars; one submission).

Allele frequency attached by ClinVar (database versions not stated): ExAC 0.00001; gnomAD 0.00001; gnomAD exomes 0.00001.
gnomAD v4.1: 11 of 1,606,392 alleles (0.00068%); highest among the groups gnomAD compares: South Asian, 0.0056%; no homozygotes.

Submission:

CeGaT Center for Human Genetics Tuebingen
Classification: Likely benign. Last evaluated: 2022-12-01. Review status: criteria provided, single submitter. Criteria: CeGaT Center For Human Genetics Tuebingen Variant Classification Criteria Version 2. Collection method: clinical testing. Allele origin: germline. Affected: yes. Observed: 1 variant allele.
Comment: AGO2: BP4, BP7

NM_012154.5(AGO2):c.222C>T (p.Ile74=)

Gene: AGO2 (argonaute RISC catalytic component 2; minus strand). Cytogenetic location: 8q24.3.
Variant type: single nucleotide variant.
Coding change: c.222C>T on transcript NM_012154.5 (MANE Select); coding-DNA position 222, C replaced by T.
Protein change: p.Ile74=; no amino-acid change (isoleucine 74 retained).
Molecular consequence: synonymous variant.
Genome position (GRCh38, 1-based): chr8:140,572,926, G>A on the plus strand (C>T on the coding strand, the complement: AGO2 is on the minus strand). VCF-style: chr8-140572926-G-A. GRCh37 (hg19) VCF-style: chr8-141583025-G-A.
Other names: c.222C>T, p.Ile74= (NM_001164623.3).
Identifiers: ClinVar variation 2658866 (VCV002658866.24), dbSNP rs779523436, ClinGen allele CA4894762.
Genomic context (GRCh38, chr8:140,572,926, plus strand): 5'-AAACACGGGCTTCCGATCCCCAAAGATCTGTGTTTTAAAGTGCTGGACCATGTGTTCCAC[G>A]ATTTCCCTGAAACAAAGACAAAAGTCGGGCAAAATGTCAATAAAATGGAGAAAATGGCAT-3'
Protein context (NP_036286.2, residues 64-84): EKCPRRVNRE[Ile74=]VEHMVQHFKT